The following is an entry in ClinVar:

NM_000038.6(APC):c.4524T>C (p.Ala1508=)

Gene: APC (APC regulator of Wnt signaling pathway; plus strand). Cytogenetic location: 5q22.2.
Variant type: single nucleotide variant.
Coding change: c.4524T>C on transcript NM_000038.6 (MANE Select); coding-DNA position 4524, T replaced by C.
Protein change: p.Ala1508=; no amino-acid change (alanine 1508 retained).
Molecular consequence: synonymous variant.
Genome position (GRCh38, 1-based): chr5:112,840,118, T>C. VCF-style: chr5-112840118-T-C. GRCh37 (hg19) VCF-style: chr5-112175815-T-C.
Other names: c.4524T>C, p.Ala1508= (NM_001127510.3, NM_001354895.2); c.4470T>C, p.Ala1490= (NM_001127511.3); c.4578T>C, p.Ala1526= (NM_001354896.2); c.4554T>C, p.Ala1518= (NM_001354897.2); c.4449T>C, p.Ala1483= (NM_001354898.2); c.4440T>C, p.Ala1480= (NM_001354899.2); c.4401T>C, p.Ala1467= (NM_001354900.2); c.4347T>C, p.Ala1449= (NM_001354901.2); and 5 more.
Identifiers: ClinVar variation 669997 (VCV000669997.16), dbSNP rs767025305, ClinGen allele CA039312.

ClinVar aggregate classification (germline): Benign/Likely benign. Review status: criteria provided, multiple submitters, no conflicts (2 of 4 stars). 6 submissions from 6 submitters: Benign (1); Likely benign (5). Last evaluated 2025-08-03.

Conditions:
Familial adenomatous polyposis 1 (FAP1). Also called: FAMILIAL ADENOMATOUS POLYPOSIS 1, ATTENUATED; POLYPOSIS, ADENOMATOUS INTESTINAL. Identifiers: MedGen C2713442, MONDO:0021056, OMIM 175100. Disease mechanism: loss of function.
Hereditary cancer-predisposing syndrome. Also called: Neoplastic Syndromes, Hereditary; Tumor predisposition; Hereditary neoplastic syndrome; Hereditary Cancer Syndrome. Identifiers: Orphanet 140162, MedGen C0027672, MeSH D009386, MONDO:0015356.
Classic or attenuated familial adenomatous polyposis. Identifiers: MedGen CN372698, MONDO:0021057.

Allele frequency attached by ClinVar (database versions not stated): TOPMed 0.00001.
gnomAD v4.1: 1 of 1,614,076 alleles (0.000062%); highest among the groups gnomAD compares: Admixed American, 0.0017%; no homozygotes.

Submissions (6):

Labcorp Genetics (formerly Invitae), Labcorp
Classification: Likely benign for Familial adenomatous polyposis 1. Last evaluated: 2025-08-03. Review status: criteria provided, single submitter. Criteria: Invitae Variant Classification Sherloc (09022015). Collection method: clinical testing. Allele origin: germline.

Myriad Genetics, Inc.
Classification: Benign for Familial adenomatous polyposis 1. Last evaluated: 2024-03-27. Review status: criteria provided, single submitter. Criteria: Myriad Autosomal Dominant, Autosomal Recessive and X-Linked Classification Criteria (2023). Collection method: clinical testing. Allele origin: unknown.
Comment: This variant is considered benign. This variant is a silent/synonymous amino acid change and it is not expected to impact splicing.

All of Us Research Program, National Institutes of Health
Classification: Likely benign for Classic or attenuated familial adenomatous polyposis. Last evaluated: 2023-10-02. Review status: criteria provided, single submitter. Criteria: ACMG Guidelines, 2015. Collection method: clinical testing. Allele origin: germline. Inheritance: Autosomal dominant inheritance. Observed: 1 variant allele, 1 heterozygote.
Comment: This study involves interpretation of variants in research participants for the purpose of population health screening. Participant phenotype was not available at the time of variant classification. Additional details can be found in publication PMID: 35346344, PMCID: PMC8962531

Quest Diagnostics Nichols Institute San Juan Capistrano
Classification: Likely benign. Last evaluated: 2022-11-09. Review status: criteria provided, single submitter. Criteria: Quest Diagnostics criteria. Collection method: clinical testing. Allele origin: unknown.

Ambry Genetics
Classification: Likely benign for Hereditary cancer-predisposing syndrome. Last evaluated: 2019-07-17. Review status: criteria provided, single submitter. Criteria: Ambry Variant Classification Scheme 2023. Collection method: clinical testing. Allele origin: germline.

GeneDx
Classification: Likely benign. Last evaluated: 2018-05-16. Review status: criteria provided, single submitter. Criteria: GeneDx Variant Classification (06012015). Collection method: clinical testing. Allele origin: germline. Affected: yes.
Comment: This variant is considered likely benign or benign based on one or more of the following criteria: it is a conservative change, it occurs at a poorly conserved position in the protein, it is predicted to be benign by multiple in silico algorithms, and/or has population frequency not consistent with disease.